The following is an entry in ClinVar:

NM_004646.4(NPHS1):c.593_594del (p.Val198fs)

Gene: NPHS1 (NPHS1 adhesion molecule, nephrin; minus strand). Cytogenetic location: 19q13.12.
Variant type: Microsatellite.
Coding change: c.593_594del on transcript NM_004646.4 (MANE Select); coding-DNA positions 593 to 594, 2 bases deleted (TG; older notation c.593_594delTG).
Protein change: p.Val198fs; shifts the reading frame from valine 198.
Molecular consequence: frameshift variant.
Genome position (GRCh38, 1-based): chr19:35,850,378-35,850,379, CA deleted on the plus strand (TG on the coding strand, the reverse complement: NPHS1 is on the minus strand); deleting any 2 consecutive bases within chr19:35,850,378-35,850,381 gives the same sequence; the c. name uses the placement nearest the transcript's 3' end. VCF-style (leftmost placement, unchanged base first): chr19-35850377-CCA-C. GRCh37 (hg19) VCF-style: chr19-36341279-CCA-C.
Other names: short protein forms V198fs.
Identifiers: ClinVar variation 2751915 (VCV002751915.3), dbSNP rs2513782114, ClinGen allele CA2697556483.
Genomic context (GRCh38, chr19:35,850,377, plus strand): 5'-GGGGAAAATTAGGGGTCAAGGTTGGGGGGTTGTTTCAGTTTCCACACCTGGCTGTGGCCT[CCA>C]CAGTGAAGAGTTTCTGCTGGGAGCCCTCGTTCACGTTTGCAGAGATGTCAGATATTGTCT-3'

ClinVar aggregate classification (germline): Pathogenic (1 of 4 stars; one submission).

Submission:

Labcorp Genetics (formerly Invitae), Labcorp
Classification: Pathogenic. Last evaluated: 2023-08-11. Review status: criteria provided, single submitter. Criteria: Invitae Variant Classification Sherloc (09022015). Collection method: clinical testing. Allele origin: germline.
Comment: This sequence change creates a premature translational stop signal (p.Val198Glyfs*13) in the NPHS1 gene. It is expected to result in an absent or disrupted protein product. Loss-of-function variants in NPHS1 are known to be pathogenic (PMID: 11317351, 11854170, 12039988). This variant is not present in population databases (gnomAD no frequency). This variant has not been reported in the literature in individuals affected with NPHS1-related conditions. Algorithms developed to predict the effect of sequence changes on RNA splicing suggest that this variant may create or strengthen a splice site. For these reasons, this variant has been classified as Pathogenic.

Literature cited by the submitters: PubMed 11317351; PubMed 11854170; PubMed 12039988.